The following is an entry in ClinVar:

ClinVar aggregate classification (germline): Uncertain significance (1 of 4 stars; one submission).

Conditions:
Autosomal recessive limb-girdle muscular dystrophy type 2L (LGMDR12). Also called: MUSCULAR DYSTROPHY, LIMB-GIRDLE, AUTOSOMAL RECESSIVE 12; Limb-Girdle Muscular Dystrophy R12 Anoctamin-5-Related (LGMD-R12); Limb-girdle muscular dystrophy, type 2L. Identifiers: Orphanet 206549, MedGen C1969785, MONDO:0012652, OMIM 611307.
Gnathodiaphyseal dysplasia (GDD). Also called: GNATHODIAPHYSEAL SCLEROSIS; OSTEOGENESIS IMPERFECTA WITH UNUSUAL SKELETAL LESIONS. Identifiers: Orphanet 53697, MedGen C1833736, MONDO:0008151, OMIM 166260.

Submission:

Labcorp Genetics (formerly Invitae), Labcorp
Classification: Uncertain significance for Autosomal recessive limb-girdle muscular dystrophy type 2L; Gnathodiaphyseal dysplasia. Last evaluated: 2022-11-08. Review status: criteria provided, single submitter. Criteria: Invitae Variant Classification Sherloc (09022015). Collection method: clinical testing. Allele origin: germline.
Comment: In summary, the available evidence is currently insufficient to determine the role of this variant in disease. Therefore, it has been classified as a Variant of Uncertain Significance. Advanced modeling of protein sequence and biophysical properties (such as structural, functional, and spatial information, amino acid conservation, physicochemical variation, residue mobility, and thermodynamic stability) performed at Invitae indicates that this missense variant is not expected to disrupt ANO5 protein function. This variant has not been reported in the literature in individuals affected with ANO5-related conditions. This variant is not present in population databases (gnomAD no frequency). This sequence change replaces valine, which is neutral and non-polar, with leucine, which is neutral and non-polar, at codon 359 of the ANO5 protein (p.Val359Leu).

NM_213599.3(ANO5):c.1075G>T (p.Val359Leu)

Gene: ANO5 (anoctamin 5; plus strand). Cytogenetic location: 11p14.3.
Variant type: single nucleotide variant.
Coding change: c.1075G>T on transcript NM_213599.3 (MANE Select); coding-DNA position 1075, G replaced by T.
Protein change: p.Val359Leu; replaces valine 359 with leucine.
Molecular consequence: missense variant.
Genome position (GRCh38, 1-based): chr11:22,250,802, G>T. VCF-style: chr11-22250802-G-T. GRCh37 (hg19) VCF-style: chr11-22272348-G-T.
Other names: c.1072G>T, p.Val358Leu (NM_001142649.2); c.1033G>T, p.Val345Leu (NM_001410963.1); c.1030G>T, p.Val344Leu (NM_001410964.1); short protein forms V344L, V358L, V359L, V345L.
Identifiers: ClinVar variation 1915773 (VCV001915773.5), dbSNP rs560212768, ClinGen allele CA379921079.